The following is an entry in ClinVar:

ClinVar aggregate classification (germline): Pathogenic (0 of 4 stars; one submission).

Conditions:
Variegate porphyria (VP). Also called: PPOX DEFICIENCY; PORPHYRIA, SOUTH AFRICAN TYPE; PROTOPORPHYRINOGEN OXIDASE DEFICIENCY. Identifiers: Orphanet 79473, MedGen C0162532, MONDO:0008297, OMIM 176200.

Submission:

Laboratory of Functional Genomics, Research Centre for Medical Genetics
Classification: Pathogenic for Variegate porphyria. Review status: no assertion criteria provided. Collection method: clinical testing. Allele origin: unknown. Inheritance: Autosomal dominant inheritance. Affected: yes. Observed: 1 heterozygote.
Comment: RT-PCR in patient's PBMC revealed disrupting of donor splice site of exon 4.

NM_001122764.3(PPOX):c.338G>C (p.Arg113Thr)

Gene: PPOX (protoporphyrinogen oxidase; plus strand). Cytogenetic location: 1q23.3.
Variant type: single nucleotide variant.
Coding change: c.338G>C on transcript NM_001122764.3 (MANE Select); coding-DNA position 338, G replaced by C.
Protein change: p.Arg113Thr; replaces arginine 113 with threonine.
Molecular consequence: missense variant. On other transcripts: 5 prime UTR variant (3), intron variant (2).
Genome position (GRCh38, 1-based): chr1:161,167,486, G>C. VCF-style: chr1-161167486-G-C. GRCh37 (hg19) VCF-style: chr1-161137276-G-C.
Other names: NM_000309.5:c.338G>C; c.338G>C, p.Arg113Thr (NM_000309.5, NM_001365398.1, NM_001365399.1); c.353G>C, p.Ser118Thr (NM_001350128.2); c.-90G>C (NM_001350129.2); c.-149G>C (NM_001350130.2); c.-35G>C (NM_001350131.2); c.-90+252G>C (NM_001365400.1); c.-149+252G>C (NM_001365401.1); short protein forms R113T, S118T.
Identifiers: ClinVar variation 1704297 (VCV001704297.3), dbSNP rs2525204882, ClinGen allele CA343352988.